The following is an entry in ClinVar:

ClinVar aggregate classification (germline): Uncertain significance (1 of 4 stars; one submission).

Allele frequency attached by ClinVar (database versions not stated): gnomAD exomes 0.00001.
gnomAD v4.1: 5 of 1,210,464 alleles (0.00041%); highest among the groups gnomAD compares: Non-Finnish European, 0.00056%; no homozygotes.

Submission:

Labcorp Genetics (formerly Invitae), Labcorp
Classification: Uncertain significance. Last evaluated: 2022-03-20. Review status: criteria provided, single submitter. Criteria: Invitae Variant Classification Sherloc (09022015). Collection method: clinical testing. Allele origin: germline.
Comment: This sequence change replaces lysine, which is basic and polar, with arginine, which is basic and polar, at codon 560 of the COL4A5 protein (p.Lys560Arg). This variant is not present in population databases (gnomAD no frequency). This variant has not been reported in the literature in individuals affected with COL4A5-related conditions. Advanced modeling of protein sequence and biophysical properties (such as structural, functional, and spatial information, amino acid conservation, physicochemical variation, residue mobility, and thermodynamic stability) performed at Invitae indicates that this missense variant is not expected to disrupt COL4A5 protein function. In summary, the available evidence is currently insufficient to determine the role of this variant in disease. Therefore, it has been classified as a Variant of Uncertain Significance.

NM_033380.3(COL4A5):c.1679A>G (p.Lys560Arg)

Gene: COL4A5 (collagen type IV alpha 5 chain; plus strand). Cytogenetic location: Xq22.3.
Variant type: single nucleotide variant.
Coding change: c.1679A>G on transcript NM_033380.3 (MANE Select); coding-DNA position 1679, A replaced by G.
Protein change: p.Lys560Arg; replaces lysine 560 with arginine.
Molecular consequence: missense variant.
Genome position (GRCh38, 1-based): chrX:108,597,468, A>G. VCF-style: chrX-108597468-A-G. GRCh37 (hg19) VCF-style: chrX-107840698-A-G.
Other names: c.1679A>G, p.Lys560Arg (NM_000495.5); short protein forms K560R.
Identifiers: ClinVar variation 2115123 (VCV002115123.1), dbSNP rs2524308356, ClinGen allele CA413845387.